The following is an entry in ClinVar:

NM_006420.3(ARFGEF2):c.3003C>T (p.Leu1001=)

Gene: ARFGEF2 (ARF guanine nucleotide exchange factor 2; plus strand). Cytogenetic location: 20q13.13.
Variant type: single nucleotide variant.
Coding change: c.3003C>T on transcript NM_006420.3 (MANE Select); coding-DNA position 3003, C replaced by T.
Protein change: p.Leu1001=; no amino-acid change (leucine 1001 retained).
Molecular consequence: synonymous variant.
Genome position (GRCh38, 1-based): chr20:48,994,480, C>T. VCF-style: chr20-48994480-C-T. GRCh37 (hg19) VCF-style: chr20-47611017-C-T.
Identifiers: ClinVar variation 707753 (VCV000707753.12), dbSNP rs752737205, ClinGen allele CA9898795.

ClinVar aggregate classification (germline): Likely benign. Review status: criteria provided, multiple submitters, no conflicts (2 of 4 stars). 3 submissions from 3 submitters: Likely benign (2). 1 of the submissions does not count toward it. Last evaluated 2025-07-14.

Conditions:
ARFGEF2-related disorder. Also called: ARFGEF2-related condition.

Allele frequency attached by ClinVar (database versions not stated): ExAC 0.00002; gnomAD exomes 0.00003 and 0.00005; gnomAD 0.00006 and 0.00007; TOPMed 0.00007.
gnomAD v4.1: 81 of 1,614,002 alleles (0.005%); highest among the groups gnomAD compares: African/African-American, 0.013%; no homozygotes.

Submissions (3):

Labcorp Genetics (formerly Invitae), Labcorp
Classification: Likely benign. Last evaluated: 2025-07-14. Review status: criteria provided, single submitter. Criteria: Invitae Variant Classification Sherloc (09022015). Collection method: clinical testing. Allele origin: germline.

Genetic Services Laboratory, University of Chicago
Classification: Likely benign. Last evaluated: 2017-12-29. Review status: criteria provided, single submitter. Criteria: ACMG Guidelines, 2015. Collection method: clinical testing. Allele origin: germline. Affected: no.

PreventionGenetics, part of Exact Sciences
Classification: Likely benign for ARFGEF2-related condition. Last evaluated: 2019-03-22. Review status: no assertion criteria provided. Collection method: clinical testing. Allele origin: germline. Not counted in ClinVar's aggregate classification.
Comment: This variant is classified as likely benign based on ACMG/AMP sequence variant interpretation guidelines (Richards et al. 2015 PMID: 25741868, with internal and published modifications).